The following is an entry in ClinVar:

NM_000059.4(BRCA2):c.276dup (p.Ser93fs)

Gene: BRCA2 (BRCA2 DNA repair associated; plus strand). Cytogenetic location: 13q13.1.
Variant type: Duplication.
Coding change: c.276dup on transcript NM_000059.4 (MANE Select); coding-DNA position 276, one base duplicated (A; older notation c.276dupA).
Protein change: p.Ser93fs; shifts the reading frame from serine 93.
Molecular consequence: frameshift variant.
Genome position (GRCh38, 1-based): chr13:32,319,285, A duplicated; the last of 2 consecutive A bases (chr13:32,319,284-32,319,285); duplicating either gives the same sequence. VCF-style (leftmost placement, unchanged base first): chr13-32319283-C-CA. GRCh37 (hg19) VCF-style: chr13-32893420-C-CA.
Other names: 504insA; c.276dupA (NM_000059.3); short protein forms S93fs.
Identifiers: ClinVar variation 51339 (VCV000051339.19), dbSNP rs80359345, ClinGen allele CA016296.

ClinVar aggregate classification (germline): Pathogenic. Review status: reviewed by expert panel (3 of 4 stars). 8 submissions from 8 submitters: Pathogenic (1). 7 of the submissions do not count toward it. Last evaluated 2016-09-08.

Conditions:
Hereditary breast ovarian cancer syndrome. Also called: Hereditary breast and ovarian cancer syndrome; Hereditary breast and ovarian cancer; Hereditary breast and ovarian cancer syndrome (HBOC); Breast and ovarian cancer; Hereditary breast and/or ovarian cancer syndrome; BRCA1- and BRCA2-Associated Hereditary Breast and Ovarian Cancer. Identifiers: Orphanet 145, MedGen C0677776, MeSH D061325, MONDO:0003582. Disease mechanism: loss of function.
Breast-ovarian cancer, familial, susceptibility to, 2 (BROVCA2). Also called: BRCA2 Hereditary Breast and Ovarian Cancer. Identifiers: Orphanet 145, MedGen C2675520, MONDO:0012933, OMIM 612555. Disease mechanism: loss of function.
Hereditary cancer-predisposing syndrome. Also called: Neoplastic Syndromes, Hereditary; Tumor predisposition; Hereditary Cancer Syndrome; Hereditary neoplastic syndrome. Identifiers: Orphanet 140162, MedGen C0027672, MeSH D009386, MONDO:0015356.

Submissions (8):

Evidence-based Network for the Interpretation of Germline Mutant Alleles (ENIGMA)
Classification: Pathogenic for Breast-ovarian cancer, familial, susceptibility to, 2. Last evaluated: 2016-09-08. Review status: reviewed by expert panel. Criteria: ENIGMA BRCA1/2 Classification Criteria (2015). Collection method: curation. Allele origin: germline.
Comment: Variant allele predicted to encode a truncated non-functional protein.

Labcorp Genetics (formerly Invitae), Labcorp
Classification: Pathogenic for Hereditary breast ovarian cancer syndrome. Last evaluated: 2025-05-26. Review status: criteria provided, single submitter. Criteria: Invitae Variant Classification Sherloc (09022015). Collection method: clinical testing. Allele origin: germline. Not counted in ClinVar's aggregate classification.
Comment: This sequence change creates a premature translational stop signal (p.Ser93Ilefs*8) in the BRCA2 gene. It is expected to result in an absent or disrupted protein product. Loss-of-function variants in BRCA2 are known to be pathogenic (PMID: 20104584). This variant is not present in population databases (gnomAD no frequency). This premature translational stop signal has been observed in individual(s) with breast cancer and/or ovarian cancer (PMID: 22798144, 28724667, 32164585). This variant is also known as 504dupA and c.275dupA. ClinVar contains an entry for this variant (Variation ID: 51339). Algorithms developed to predict the effect of sequence changes on RNA splicing suggest that this variant may disrupt the consensus splice site. For these reasons, this variant has been classified as Pathogenic.

Quest Diagnostics Nichols Institute San Juan Capistrano
Classification: Pathogenic. Last evaluated: 2024-12-23. Review status: criteria provided, single submitter. Criteria: Quest Diagnostics criteria. Collection method: clinical testing. Allele origin: unknown. Not counted in ClinVar's aggregate classification.
Comment: The BRCA2 c.276dup (p.Ser93Ilefs*8) variant alters the translational reading frame of the BRCA2 mRNA and causes the premature termination of BRCA2 protein synthesis. This variant has been reported in the published literature in individuals with breast cancer (PMID: 28724667 (2017), 34326862 (2021), 22798144 (2012)) and ovarian cancer (PMID: 32164585 (2020)). In a large scale breast cancer association study, the variant was observed in individuals with breast cancer as well as in an reportedly healthy individuals (PMID: 33471991 (2021), see also LOVD). This variant has not been reported in large, multi-ethnic general populations (Genome Aggregation Database). Based on the available information, this variant is classified as pathogenic.

Ambry Genetics
Classification: Pathogenic for Hereditary cancer-predisposing syndrome. Last evaluated: 2024-12-20. Review status: criteria provided, single submitter. Criteria: Ambry Variant Classification Scheme 2023. Collection method: clinical testing. Allele origin: germline. Not counted in ClinVar's aggregate classification.
Comment: The c.276dupA pathogenic mutation, located in coding exon 2 of the BRCA2 gene, results from a duplication of A at nucleotide position 276, causing a translational frameshift with a predicted alternate stop codon (p.S93Ifs*8). This alteration has been identified in cohorts of Korean and Chinese breast cancer patients (Kim H et al. Breast Cancer Res. Treat. 2012 Aug;134:1315-26; Sun J et al. Clin. Cancer Res. 2017 Oct;23:6113-6119), as well as in a large, worldwide study of BRCA1/2 mutation positive families (Rebbeck TR et al. Hum. Mutat. 2018 05;39:593-620). Of note, this alteration is also designated as c.275dupA and 504dupA in the published literature. This variant is considered to be rare based on population cohorts in the Genome Aggregation Database (gnomAD). In addition to the clinical data presented in the literature, this alteration is expected to result in loss of function by premature protein truncation or nonsense-mediated mRNA decay. As such, this alteration is interpreted as a disease-causing mutation.

Consortium of Investigators of Modifiers of BRCA1/2 (CIMBA), c/o University of Cambridge
Classification: Pathogenic for Breast-ovarian cancer, familial, susceptibility to, 2. Last evaluated: 2015-10-02. Review status: criteria provided, single submitter. Criteria: CIMBA Mutation Classification guidelines May 2016. Collection method: clinical testing. Allele origin: germline. Not counted in ClinVar's aggregate classification.

BRCAlab, Lund University
Classification: Pathogenic for Breast-ovarian cancer, familial, susceptibility to, 2. Last evaluated: 2020-03-02. Review status: no assertion criteria provided. Collection method: clinical testing. Allele origin: germline. Affected: yes. Not counted in ClinVar's aggregate classification.

Breast Cancer Information Core (BIC) (BRCA2)
Classification: Pathogenic for Breast-ovarian cancer, familial 2. Last evaluated: 2003-12-23. Review status: no assertion criteria provided. Collection method: clinical testing. Allele origin: germline. Affected: yes. Observed: 1 variant allele. Not counted in ClinVar's aggregate classification.

Department of Pathology and Laboratory Medicine, Sinai Health System
Classification: Pathogenic. Review status: no assertion criteria provided. Collection method: clinical testing. Allele origin: unknown. Affected: yes. Study: The Canadian Open Genetics Repository (COGR). Not counted in ClinVar's aggregate classification.
Comment: The BRCA2 p.Ser93Ilefs*8 variant was not identified in the literature nor was it identified in LOVD 3.0 or UMD-LSDB. The variant was identified in dbSNP (ID: rs80359345) as "With Pathogenic allele" and ClinVar (classified as pathogenic by ENIGMA, CIMBA, and BIC). The variant was not identified in the following control databases: the Exome Aggregation Consortium (August 8th 2016) or the Genome Aggregation Database (Feb 27, 2017). The c.276dup variant is predicted to cause a frameshift, which alters the protein's amino acid sequence beginning at codon 93 and leads to a premature stop codon at position 100. This alteration is then predicted to result in a truncated or absent protein and loss of function. Loss of function variants of the BRCA2 gene are an established mechanism of disease in hereditary breast and ovarian cancer (HBOC) and is the type of variant expected to cause the disorder. In summary, based on the above information this variant meets our laboratoryâ€šÃ„Ã´s criteria to be classified as pathogenic.

Literature cited by the submitters: PubMed 20104584 (cited by Labcorp Genetics (formerly Invitae), Labcorp); PubMed 22798144 (cited by 3 submitters); PubMed 28724667 (cited by 3 submitters); PubMed 32164585 (cited by Labcorp Genetics (formerly Invitae), Labcorp and Quest Diagnostics Nichols Institute San Juan Capistrano); PubMed 33471991 (cited by Quest Diagnostics Nichols Institute San Juan Capistrano); PubMed 31825140 (cited by Quest Diagnostics Nichols Institute San Juan Capistrano); PubMed 34326862 (cited by Quest Diagnostics Nichols Institute San Juan Capistrano); PubMed 29446198 (cited by Quest Diagnostics Nichols Institute San Juan Capistrano and Ambry Genetics).